The following is an entry in ClinVar:

NM_004006.3(DMD):c.8027+4T>C

Gene: DMD (dystrophin; minus strand). Cytogenetic location: Xp21.1.
Variant type: single nucleotide variant.
Coding change: c.8027+4T>C on transcript NM_004006.3 (MANE Select); 4 bases into the intron after coding-DNA position 8027, T replaced by C.
Molecular consequence: intron variant.
Genome position (GRCh38, 1-based): chrX:31,657,986, A>G on the plus strand (T>C on the coding strand, the complement: DMD is on the minus strand). VCF-style: chrX-31657986-A-G. GRCh37 (hg19) VCF-style: chrX-31676103-A-G.
Other names: c.8003+4T>C (NM_000109.4); c.4004+4T>C (NM_004011.4); c.3995+4T>C (NM_004012.4); c.647+4T>C (NM_004023.3, NM_004020.4, NM_004022.3 and 2 more transcripts); c.8015+4T>C (NM_004009.3); c.7658+4T>C (NM_004010.3).
Identifiers: ClinVar variation 1966425 (VCV001966425.5), dbSNP rs2528806461, ClinGen allele CA2580100586.

ClinVar aggregate classification (germline): Uncertain significance (1 of 4 stars; one submission).

Conditions:
Duchenne muscular dystrophy (DMD). Also called: MUSCULAR DYSTROPHY, PSEUDOHYPERTROPHIC PROGRESSIVE, DUCHENNE TYPE; Duchenne Muscular Dystrophy (DMD). Identifiers: Orphanet 98896, MedGen C0013264, MONDO:0010679, OMIM 310200.

Submission:

Labcorp Genetics (formerly Invitae), Labcorp
Classification: Uncertain significance for Duchenne muscular dystrophy. Last evaluated: 2025-02-23. Review status: criteria provided, single submitter. Criteria: Invitae Variant Classification Sherloc (09022015). Collection method: clinical testing. Allele origin: germline.
Comment: This sequence change falls in intron 54 of the DMD gene. It does not directly change the encoded amino acid sequence of the DMD protein. It affects a nucleotide within the consensus splice site. This variant is not present in population databases (gnomAD no frequency). This variant has not been reported in the literature in individuals affected with DMD-related conditions. ClinVar contains an entry for this variant (Variation ID: 1966425). Variants that disrupt the consensus splice site are a relatively common cause of aberrant splicing (PMID: 17576681, 9536098). Algorithms developed to predict the effect of sequence changes on RNA splicing suggest that this variant is not likely to affect RNA splicing. In summary, the available evidence is currently insufficient to determine the role of this variant in disease. Therefore, it has been classified as a Variant of Uncertain Significance.

Literature cited by the submitters: PubMed 17576681; PubMed 9536098.